The following is an entry in ClinVar:

ClinVar aggregate classification (germline): Uncertain significance. Review status: criteria provided, multiple submitters, no conflicts (2 of 4 stars). 2 submissions from 2 submitters: Uncertain significance (2). Last evaluated 2023-11-29.

Conditions:
Hereditary cancer-predisposing syndrome. Also called: Neoplastic Syndromes, Hereditary; Tumor predisposition; Hereditary Cancer Syndrome; Hereditary neoplastic syndrome. Identifiers: Orphanet 140162, MedGen C0027672, MeSH D009386, MONDO:0015356.
Neurofibromatosis, type 2 (SWNV). Also called: SCHWANNOMATOSIS, VESTIBULAR; NF2-Related Schwannomatosis; BILATERAL ACOUSTIC NEUROFIBROMATOSIS. Identifiers: Orphanet 637, MedGen C0027832, MONDO:0007039, OMIM 101000. Disease mechanism: loss of function.

Allele frequency attached by ClinVar (database versions not stated): gnomAD exomes below 0.00001 and 0.00001; TOPMed below 0.00001; ExAC 0.00001; gnomAD 0.00001.

Submissions (2):

Ambry Genetics
Classification: Uncertain significance for Hereditary cancer-predisposing syndrome. Last evaluated: 2023-11-29. Review status: criteria provided, single submitter. Criteria: Ambry Variant Classification Scheme 2023. Collection method: clinical testing. Allele origin: germline.
Comment: The p.M363V variant (also known as c.1087A>G), located in coding exon 11 of the NF2 gene, results from an A to G substitution at nucleotide position 1087. The methionine at codon 363 is replaced by valine, an amino acid with highly similar properties. This amino acid position is highly conserved through mammals but not in all available vertebrate species. In addition, this alteration is predicted to be tolerated by in silico analysis. Since supporting evidence is limited at this time, the clinical significance of this alteration remains unclear.

Labcorp Genetics (formerly Invitae), Labcorp
Classification: Uncertain significance for Neurofibromatosis, type 2. Last evaluated: 2021-04-21. Review status: criteria provided, single submitter. Criteria: Invitae Variant Classification Sherloc (09022015). Collection method: clinical testing. Allele origin: germline.
Comment: In summary, the available evidence is currently insufficient to determine the role of this variant in disease. Therefore, it has been classified as a Variant of Uncertain Significance. This sequence change replaces methionine with valine at codon 363 of the NF2 protein (p.Met363Val). The methionine residue is weakly conserved and there is a small physicochemical difference between methionine and valine. This variant is present in population databases (rs776499914, ExAC 0.009%). This variant has not been reported in the literature in individuals with NF2-related conditions. Algorithms developed to predict the effect of missense changes on protein structure and function (SIFT, PolyPhen-2, Align-GVGD) all suggest that this variant is likely to be tolerated, but these predictions have not been confirmed by published functional studies and their clinical significance is uncertain. Algorithms developed to predict the effect of sequence changes on RNA splicing suggest that this variant may create or strengthen a splice site, but this prediction has not been confirmed by published transcriptional studies.

NM_000268.4(NF2):c.1087A>G (p.Met363Val)

Gene: NF2 (NF2, moesin-ezrin-radixin like (MERLIN) tumor suppressor; plus strand). Cytogenetic location: 22q12.2.
Variant type: single nucleotide variant.
Coding change: c.1087A>G on transcript NM_000268.4 (MANE Select); coding-DNA position 1087, A replaced by G.
Protein change: p.Met363Val; replaces methionine 363 with valine.
Molecular consequence: missense variant. On other transcripts: non-coding transcript variant (1), intron variant (1).
Genome position (GRCh38, 1-based): chr22:29,671,913, A>G. VCF-style: chr22-29671913-A-G. GRCh37 (hg19) VCF-style: chr22-30067902-A-G.
Other names: c.1087A>G (NM_000268.3); c.1087A>G, p.Met363Val (NM_016418.5, NM_181825.3, NM_181832.3); c.961A>G, p.Met321Val (NM_181828.3); c.964A>G, p.Met322Val (NM_181829.3); c.838A>G, p.Met280Val (NM_181830.3, NM_181831.3); c.448-22839A>G (NM_181833.3); short protein forms M363V, M280V, M321V, M322V.
Identifiers: ClinVar variation 1347287 (VCV001347287.8), dbSNP rs776499914, ClinGen allele CA036791.